The following is an entry in ClinVar:

NM_004333.6(BRAF):c.712-18T>C

Gene: BRAF (B-Raf proto-oncogene, serine/threonine kinase; minus strand). Cytogenetic location: 7q34.
Variant type: single nucleotide variant.
Coding change: c.712-18T>C on transcript NM_004333.6 (MANE Select); 18 bases into the intron before coding-DNA position 712, T replaced by C.
Molecular consequence: intron variant.
Genome position (GRCh38, 1-based): chr7:140,801,578, A>G on the plus strand (T>C on the coding strand, the complement: BRAF is on the minus strand). VCF-style: chr7-140801578-A-G. GRCh37 (hg19) VCF-style: chr7-140501378-A-G.
Other names: c.712-18T>C (NM_001378474.1, NM_001378471.1, NM_001378468.1 and 4 more transcripts); c.610-18T>C (NM_001378470.1); c.448-18T>C (NM_001378475.1); c.721-18T>C (NM_001378467.1); c.556-18T>C (NM_001378472.1, NM_001378473.1).
Identifiers: ClinVar variation 180764 (VCV000180764.12), dbSNP rs535496777, ClinGen allele CA295870.

ClinVar aggregate classification (germline): Benign/Likely benign. Review status: criteria provided, multiple submitters, no conflicts (2 of 4 stars). 5 submissions from 5 submitters: Benign (3); Likely benign (2). Last evaluated 2026-01-20.

Conditions:
Colorectal cancer. Also called: Colorectal cancer, somatic; Malignant Colorectal Neoplasm. Identifiers: MedGen C0346629, MONDO:0005575, OMIM 114500.
Lung cancer. Also called: Lung cancer, somatic; Malignant tumor of lung. Identifiers: MedGen C0242379, MONDO:0008903, OMIM 211980.
Noonan syndrome 7 (NS7). Also called: BRAF-Related Noonan Syndrome. Identifiers: Orphanet 648, MedGen C3150970, MONDO:0013379, OMIM 613706.
LEOPARD syndrome 3 (LPRD3). Identifiers: Orphanet 500, MedGen C3150971, MONDO:0013380, OMIM 613707.
Cardiofaciocutaneous syndrome 1 (CFC1). Also called: BRAF-Related Cardiofaciocutaneous Syndrome. Identifiers: Orphanet 1340, MedGen CN029449, MONDO:0007265, OMIM 115150. Disease mechanism: gain of function.
Melanoma, cutaneous malignant, susceptibility to, 1 (CMM1). Also called: MELANOMA, MALIGNANT; B-K MOLE SYNDROME; DYSPLASTIC NEVUS SYNDROME, HEREDITARY; FAMILIAL ATYPICAL MOLE-MALIGNANT MELANOMA SYNDROME. Identifiers: Orphanet 618, MedGen C1835047, MONDO:0007963, OMIM 155600.
Noonan syndrome 1 (NS1). Also called: PTPN11-Related Noonan Syndrome; TURNER PHENOTYPE WITH NORMAL KARYOTYPE; FEMALE PSEUDO-TURNER SYNDROME. Identifiers: Orphanet 648, MedGen C4551602, MONDO:0008104, OMIM 163950. Disease mechanism: gain of function.
RASopathy. Also called: rasopathies; Noonan spectrum disorder. Identifiers: Orphanet 536391, MedGen C5555857, MONDO:0021060.

Allele frequency attached by ClinVar (database versions not stated): gnomAD 0.00001 and 0.00014; TOPMed 0.00002; gnomAD exomes 0.00041; ExAC 0.00060; 1000 Genomes Project 30x 0.00125; 1000 Genomes Project 0.00140.
gnomAD v4.1: 330 of 1,607,858 alleles (0.021%); highest among the groups gnomAD compares: South Asian, 0.35%; 7 homozygotes.

Submissions (5):

Labcorp Genetics (formerly Invitae), Labcorp
Classification: Benign for RASopathy. Last evaluated: 2026-01-20. Review status: criteria provided, single submitter. Criteria: Invitae Variant Classification Sherloc (09022015). Collection method: clinical testing. Allele origin: germline.

ARUP Laboratories, Molecular Genetics and Genomics, ARUP Laboratories
Classification: Benign. Last evaluated: 2025-03-03. Review status: criteria provided, single submitter. Criteria: ARUP Molecular Germline Variant Investigation Process 2024. Collection method: clinical testing. Allele origin: germline.

Blueprint Genetics
Classification: Likely benign. Last evaluated: 2024-11-11. Review status: criteria provided, single submitter. Criteria: ACMG Guidelines, 2015. Collection method: clinical testing. Allele origin: germline.

Fulgent Genetics
Classification: Likely benign for Colorectal cancer; Cardiofaciocutaneous syndrome 1; Melanoma, cutaneous malignant, susceptibility to, 1; Noonan syndrome 1; Lung cancer; Noonan syndrome 7; LEOPARD syndrome 3. Last evaluated: 2021-10-30. Review status: criteria provided, single submitter. Criteria: ACMG Guidelines, 2015. Collection method: clinical testing. Allele origin: unknown.

GeneDx
Classification: Benign. Last evaluated: 2014-08-05. Review status: criteria provided, single submitter. Criteria: GeneDx Variant Classification (06012015). Collection method: clinical testing. Allele origin: germline. Affected: yes.
Comment: This variant is considered likely benign or benign based on one or more of the following criteria: it is a conservative change, it occurs at a poorly conserved position in the protein, it is predicted to be benign by multiple in silico algorithms, and/or has population frequency not consistent with disease.